The following is an entry in ClinVar:

NM_000821.7(GGCX):c.24G>A (p.Ala8=)

Gene: GGCX (gamma-glutamyl carboxylase; minus strand). Cytogenetic location: 2p11.2.
Variant type: single nucleotide variant.
Coding change: c.24G>A on transcript NM_000821.7 (MANE Select); coding-DNA position 24, G replaced by A.
Protein change: p.Ala8=; no amino-acid change (alanine 8 retained).
Molecular consequence: synonymous variant.
Genome position (GRCh38, 1-based): chr2:85,561,405, C>T on the plus strand (G>A on the coding strand, the complement: GGCX is on the minus strand). VCF-style: chr2-85561405-C-T. GRCh37 (hg19) VCF-style: chr2-85788528-C-T.
Other names: c.24G>A, p.Ala8= (NM_001142269.4, NM_001311312.3); c.24G>A (NM_000821.6).
Identifiers: ClinVar variation 337281 (VCV000337281.36), dbSNP rs371622780, ClinGen allele CA1742255.

ClinVar aggregate classification (germline): Conflicting classifications of pathogenicity. Review status: criteria provided, conflicting classifications (1 of 4 stars). 4 submissions from 4 submitters: Uncertain significance (1); Benign (1); Likely benign (2). Last evaluated 2026-01-26.

Conditions:
GGCX-related disorder. Also called: GGCX-related condition; GGCX - Related Disorders.
Vitamin K-dependent clotting factors, combined deficiency of, type 1. Also called: FACTORS II, VII, IX, AND X, COMBINED DEFICIENCY OF; FAMILIAL MULTIPLE COAGULATION FACTOR DEFICIENCY III; FMFD III; GLUTAMIC ACID, DEFICIENT GAMMA-CARBOXYLATION OF; MULTIPLE COAGULATION FACTOR DEFICIENCY III; VITAMIN K-DEPENDENT COAGULATION DEFECT. Identifiers: Orphanet 98434, MedGen C1848534, MONDO:0010187, OMIM 277450.

Allele frequency attached by ClinVar (database versions not stated): gnomAD 0.00026; ESP Exome Variant Server 0.00039; TOPMed 0.00047.
gnomAD v4.1: 1,031 of 1,572,944 alleles (0.066%); highest among the groups gnomAD compares: Non-Finnish European, 0.085%; no homozygotes.

Submissions (4):

Labcorp Genetics (formerly Invitae), Labcorp
Classification: Benign. Last evaluated: 2026-01-26. Review status: criteria provided, single submitter. Criteria: Invitae Variant Classification Sherloc (09022015). Collection method: clinical testing. Allele origin: germline.

PreventionGenetics, part of Exact Sciences
Classification: Likely benign for GGCX-related condition. Last evaluated: 2025-02-19. Review status: criteria provided, single submitter. Criteria: ACMG Guidelines, 2015. Collection method: clinical testing. Allele origin: germline.
Comment: This variant is classified as likely benign based on ACMG/AMP sequence variant interpretation guidelines (Richards et al. 2015 PMID: 25741868, with internal and published modifications).

CeGaT Center for Human Genetics Tuebingen
Classification: Likely benign. Last evaluated: 2023-03-01. Review status: criteria provided, single submitter. Criteria: CeGaT Center For Human Genetics Tuebingen Variant Classification Criteria Version 2. Collection method: clinical testing. Allele origin: germline. Affected: yes. Observed: 2 variant alleles.
Comment: GGCX: BP4, BP7

Illumina Laboratory Services, Illumina
Classification: Uncertain significance for Vitamin K-dependent clotting factors, combined deficiency of, type 1. Last evaluated: 2018-01-12. Review status: criteria provided, single submitter. Criteria: ICSL Variant Classification Criteria 13 December 2019. Collection method: clinical testing. Allele origin: germline.